The following is an entry in ClinVar:

ClinVar aggregate classification (germline): Uncertain significance (1 of 4 stars; one submission).

Submission:

Labcorp Genetics (formerly Invitae), Labcorp
Classification: Uncertain significance. Last evaluated: 2025-11-12. Review status: criteria provided, single submitter. Criteria: Invitae Variant Classification Sherloc (09022015). Collection method: clinical testing. Allele origin: germline.
Comment: This sequence change replaces histidine, which is basic and polar, with tyrosine, which is neutral and polar, at codon 583 of the MYLK3 protein (p.His583Tyr). This variant is not present in population databases (gnomAD no frequency). This variant has not been reported in the literature in individuals affected with MYLK3-related conditions. An algorithm developed to predict the effect of missense changes on protein structure and function (PolyPhen-2) suggests that this variant is likely to be tolerated. In summary, the available evidence is currently insufficient to determine the role of this variant in disease. Therefore, it has been classified as a Variant of Uncertain Significance.

NM_182493.3(MYLK3):c.1747C>T (p.His583Tyr)

Gene: MYLK3 (myosin light chain kinase 3; minus strand). Cytogenetic location: 16q11.2.
Variant type: single nucleotide variant.
Coding change: c.1747C>T on transcript NM_182493.3 (MANE Select); coding-DNA position 1747, C replaced by T.
Protein change: p.His583Tyr; replaces histidine 583 with tyrosine.
Molecular consequence: missense variant.
Genome position (GRCh38, 1-based): chr16:46,729,049, G>A on the plus strand (C>T on the coding strand, the complement: MYLK3 is on the minus strand). VCF-style: chr16-46729049-G-A. GRCh37 (hg19) VCF-style: chr16-46762961-G-A.
Other names: c.724C>T, p.His242Tyr (NM_001308301.1); short protein forms H242Y, H583Y.
Identifiers: ClinVar variation 4804334 (VCV004804334.1).